The following is an entry in ClinVar:

ClinVar aggregate classification (germline): Uncertain significance (1 of 4 stars; one submission).

Conditions:
Inborn genetic diseases. Identifiers: MedGen C0950123, MeSH D030342.

Submission:

Ambry Genetics
Classification: Uncertain significance for Inborn genetic diseases. Last evaluated: 2025-05-31. Review status: criteria provided, single submitter. Criteria: Ambry Variant Classification Scheme 2023. Collection method: clinical testing. Allele origin: germline.
Comment: The p.D525E variant (also known as c.1575C>G), located in coding exon 16 of the ANKRD26 gene, results from a C to G substitution at nucleotide position 1575. The aspartic acid at codon 525 is replaced by glutamic acid, an amino acid with highly similar properties. This amino acid position is conserved. In addition, this alteration is predicted to be tolerated by in silico analysis. Based on the available evidence, the clinical significance of this variant remains unclear.

NM_014915.3(ANKRD26):c.1575C>G (p.Asp525Glu)

Gene: ANKRD26 (ankyrin repeat domain containing 26; minus strand). Cytogenetic location: 10p12.1.
Variant type: single nucleotide variant.
Coding change: c.1575C>G on transcript NM_014915.3 (MANE Select); coding-DNA position 1575, C replaced by G.
Protein change: p.Asp525Glu; replaces aspartic acid 525 with glutamic acid.
Molecular consequence: missense variant.
Genome position (GRCh38, 1-based): chr10:27,053,380, G>C on the plus strand (C>G on the coding strand, the complement: ANKRD26 is on the minus strand). VCF-style: chr10-27053380-G-C. GRCh37 (hg19) VCF-style: chr10-27342309-G-C.
Other names: c.1575C>G, p.Asp525Glu (NM_001256053.2); short protein forms D525E.
Identifiers: ClinVar variation 3914926 (VCV003914926.1).
Genomic context (GRCh38, chr10:27,053,380, plus strand): 5'-CTGTGGCTGGTTATTTTCACTCCCTTCCCTTTCTTGCTCTTCTTCTGATGCTACTTCTAA[G>C]TCATGTTCAGCTGAAAAAATCCAAATATTTAGTTTAATGAACTACTTAGAACAGTTAGGT-3'
Protein context (NP_055730.2, residues 515-535): DVQTSKAAEH[Asp525Glu]LEVASEEEQE